The following is an entry in ClinVar:

NM_002485.5(NBN):c.2104A>G (p.Ile702Val)

Gene: NBN (nibrin; minus strand). Cytogenetic location: 8q21.3.
Variant type: single nucleotide variant.
Coding change: c.2104A>G on transcript NM_002485.5 (MANE Select); coding-DNA position 2104, A replaced by G.
Protein change: p.Ile702Val; replaces isoleucine 702 with valine.
Molecular consequence: missense variant.
Genome position (GRCh38, 1-based): chr8:89,943,333, T>C on the plus strand (A>G on the coding strand, the complement: NBN is on the minus strand). VCF-style: chr8-89943333-T-C. GRCh37 (hg19) VCF-style: chr8-90955561-T-C.
Other names: c.1858A>G, p.Ile620Val (NM_001024688.3); short protein forms I702V, I620V.
Identifiers: ClinVar variation 480039 (VCV000480039.5), dbSNP rs1554555821, ClinGen allele CA371675710.
Genomic context (GRCh38, chr8:89,943,333, plus strand): 5'-ACTCTTCTAGTTCTGTATTCTTTCGAGCATGATGAGCTATTAGATCTGATCCTCCAATGA[T>C]GTGTGGAAGTTTTCCTGCTCCAGGATATGTGACCTATTGAATAATAAAAGTAGTACAGTA-3'
Protein context (NP_002476.2, residues 692-712): TYPGAGKLPH[Ile702Val]IGGSDLIAHH

ClinVar aggregate classification (germline): Uncertain significance (1 of 4 stars; one submission).

Conditions:
Hereditary cancer-predisposing syndrome. Also called: Hereditary Cancer Syndrome; Neoplastic Syndromes, Hereditary; Tumor predisposition; Hereditary neoplastic syndrome. Identifiers: Orphanet 140162, MedGen C0027672, MeSH D009386, MONDO:0015356.

Allele frequency attached by ClinVar (database versions not stated): gnomAD exomes below 0.00001.
gnomAD v4.1: 1 of 1,610,142 alleles (0.000062%); highest among the groups gnomAD compares: Non-Finnish European, 0.000085%; no homozygotes.

Submission:

Ambry Genetics
Classification: Uncertain significance for Hereditary cancer-predisposing syndrome. Last evaluated: 2016-06-21. Review status: criteria provided, single submitter. Criteria: Ambry Variant Classification Scheme 2023. Collection method: clinical testing. Allele origin: germline.
Comment: The p.I702V variant (also known as c.2104A>G), located in coding exon 14 of the NBN gene, results from an A to G substitution at nucleotide position 2104. The isoleucine at codon 702 is replaced by valine, an amino acid with highly similar properties. This variant was not reported in population based cohorts in the following databases: Database of Single Nucleotide Polymorphisms (dbSNP), NHLBI Exome Sequencing Project (ESP), and 1000 Genomes Project. In the ESP, this variant was not observed in 6503 samples (13006 alleles) with coverage at this position. To date, this alteration has been detected with an allele frequency of approximately 0.001% (greater than 75000 alleles tested) in our clinical cohort. This amino acid position is highly conserved in available vertebrate species. In addition, this alteration is predicted to be tolerated by in silico analysis. Since supporting evidence is limited at this time, the clinical significance of this alteration remains unclear.